The following is an entry in ClinVar:

NM_002474.3(MYH11):c.2450A>C (p.Lys817Thr)

Gene: MYH11 (myosin heavy chain 11; minus strand). Cytogenetic location: 16p13.11.
Variant type: single nucleotide variant.
Coding change: c.2450A>C on transcript NM_002474.3 (MANE Select); coding-DNA position 2450, A replaced by C.
Protein change: p.Lys817Thr; replaces lysine 817 with threonine.
Molecular consequence: missense variant.
Genome position (GRCh38, 1-based): chr16:15,745,199, T>G on the plus strand (A>C on the coding strand, the complement: MYH11 is on the minus strand). VCF-style: chr16-15745199-T-G. GRCh37 (hg19) VCF-style: chr16-15839056-T-G.
Other names: c.2471A>C, p.Lys824Thr (NM_001040113.2, NM_001040114.2); c.2450A>C, p.Lys817Thr (NM_022844.3); short protein forms K817T, K824T.
Identifiers: ClinVar variation 3074053 (VCV003074053.1), dbSNP rs2506242484, ClinGen allele CA394866867.
Genomic context (GRCh38, chr16:15,745,199, plus strand): 5'-AGCCTCCACCACTGCCAGTTCCGCAGCTTGAGGTAGGCGGCGCAGTTCCTCTGAATCACC[T>G]TCATGGCGGTCAGCTGCTGCTGCCTCTTGGCAAAAGCCCTAGGGAGGGGGGAAGAGAAGG-3'
Protein context (NP_002465.1, residues 807-827): AKRQQQLTAM[Lys817Thr]VIQRNCAAYL

ClinVar aggregate classification (germline): Uncertain significance (1 of 4 stars; one submission).

Conditions:
Familial thoracic aortic aneurysm and aortic dissection (TAAD). Also called: Thoracic aortic aneurysms and dissections. Identifiers: Orphanet 91387, MedGen C4707243, MONDO:0019625.

Submission:

All of Us Research Program, National Institutes of Health
Classification: Uncertain significance for Familial thoracic aortic aneurysm and aortic dissection. Last evaluated: 2023-12-01. Review status: criteria provided, single submitter. Criteria: ACMG Guidelines, 2015. Collection method: clinical testing. Allele origin: germline. Inheritance: Autosomal dominant inheritance. Observed: 1 variant allele, 1 heterozygote.
Comment: This study involves interpretation of variants in research participants for the purpose of population health screening. Participant phenotype was not available at the time of variant classification. Additional details can be found in publication PMID: 35346344, PMCID: PMC8962531